The following is an entry in ClinVar:

NM_002474.3(MYH11):c.4988A>G (p.Asp1663Gly)

Genes: MYH11 (myosin heavy chain 11; minus strand), NDE1 (nudE neurodevelopment protein 1; plus strand). Cytogenetic location: 16p13.11.
Variant type: single nucleotide variant.
Coding change: c.4988A>G on transcript NM_002474.3 (MANE Select); coding-DNA position 4988, A replaced by G.
Protein change: p.Asp1663Gly; replaces aspartic acid 1663 with glycine.
Molecular consequence: missense variant. On other transcripts: intron variant (2).
Genome position (GRCh38, 1-based): chr16:15,719,679, T>C on the plus strand (A>G on the coding strand, the complement: MYH11 is on the minus strand). VCF-style: chr16-15719679-T-C. GRCh37 (hg19) VCF-style: chr16-15813536-T-C.
Other names: c.5009A>G, p.Asp1670Gly (NM_001040114.2, NM_001040113.2); c.4988A>G, p.Asp1663Gly (NM_022844.3); c.948-4512T>C (NM_001143979.2, NM_017668.3); short protein forms D1663G, D1670G.
Identifiers: ClinVar variation 3297358 (VCV003297358.1).
Genomic context (GRCh38, chr16:15,719,679, plus strand): 5'-TTGGCTTTCTTCTCATTCTCTTTGGCTGTGGCAAAGATCTCATCTCTGGAGGCACGGGCA[T>C]CTTCCAGCTCTCTTTGAAAGTCCTTCATCTGAGCCTGCATGAGTCAACAGGGAGGACAAG-3'
Protein context (NP_002465.1, residues 1653-1673): QMKDFQRELE[Asp1663Gly]ARASRDEIFA

ClinVar aggregate classification (germline): Uncertain significance (1 of 4 stars; one submission).

Conditions:
Familial thoracic aortic aneurysm and aortic dissection (TAAD). Also called: Thoracic aortic aneurysms and dissections. Identifiers: Orphanet 91387, MedGen C4707243, MONDO:0019625.

Submission:

Ambry Genetics
Classification: Uncertain significance for Familial thoracic aortic aneurysm and aortic dissection. Last evaluated: 2024-04-27. Review status: criteria provided, single submitter. Criteria: Ambry Variant Classification Scheme 2023. Collection method: clinical testing. Allele origin: germline.
Comment: The p.D1663G variant (also known as c.4988A>G), located in coding exon 34 of the MYH11 gene, results from an A to G substitution at nucleotide position 4988. The aspartic acid at codon 1663 is replaced by glycine, an amino acid with similar properties. This amino acid position is conserved. In addition, the in silico prediction for this alteration is inconclusive. Based on the available evidence, the clinical significance of this variant remains unclear.